The following is an entry in ClinVar:

NM_001387430.1(SH2B1):c.1897+63C>G

Gene: SH2B1 (SH2B adaptor protein 1; plus strand). Cytogenetic location: 16p11.2.
Variant type: single nucleotide variant.
Coding change: c.1897+63C>G on transcript NM_001387430.1 (MANE Select); 63 bases into the intron after coding-DNA position 1897, C replaced by G.
Molecular consequence: intron variant.
Genome position (GRCh38, 1-based): chr16:28,872,768, C>G. VCF-style: chr16-28872768-C-G. GRCh37 (hg19) VCF-style: chr16-28884089-C-G.
Other names: c.1897+63C>G (NM_001308293.2, NM_001387404.1, NM_015503.3 and 3 more transcripts); c.1950+10C>G (NM_001145797.2); c.889+63C>G (NM_001308294.2).
Identifiers: ClinVar variation 4997815 (VCV004997815.1).

ClinVar aggregate classification (germline): Likely benign (1 of 4 stars; one submission).

Conditions:
SH2B1-related disorder. Also called: SH2B1-related condition.

Submission:

PreventionGenetics, part of Exact Sciences
Classification: Likely benign for SH2B1-related condition. Last evaluated: 2025-10-01. Review status: criteria provided, single submitter. Criteria: ACMG Guidelines, 2015. Collection method: clinical testing. Allele origin: germline.
Comment: This variant is classified as likely benign based on ACMG/AMP sequence variant interpretation guidelines (Richards et al. 2015 PMID: 25741868, with internal and published modifications).